The following is an entry in ClinVar:

NM_152564.5(VPS13B):c.7918T>G (p.Trp2640Gly)

Gene: VPS13B (vacuolar protein sorting 13 homolog B; plus strand). Cytogenetic location: 8q22.2.
Variant type: single nucleotide variant.
Coding change: c.7918T>G on transcript NM_152564.5 (MANE Select); coding-DNA position 7918, T replaced by G.
Protein change: p.Trp2640Gly; replaces tryptophan 2640 with glycine.
Molecular consequence: missense variant.
Genome position (GRCh38, 1-based): chr8:99,784,453, T>G. VCF-style: chr8-99784453-T-G. GRCh37 (hg19) VCF-style: chr8-100796681-T-G.
Other names: c.7993T>G, p.Trp2665Gly (NM_017890.5); short protein forms W2640G, W2665G.
Identifiers: ClinVar variation 2635507 (VCV002635507.1), dbSNP rs2491873992, ClinGen allele CA371766715.

ClinVar aggregate classification (germline): Uncertain significance (1 of 4 stars; one submission).

Conditions:
VPS13B-related disorder. Also called: VPS13B-related condition.

Submission:

PreventionGenetics, part of Exact Sciences
Classification: Uncertain significance for VPS13B-related condition. Last evaluated: 2022-11-22. Review status: criteria provided, single submitter. Criteria: ACMG Guidelines, 2015. Collection method: clinical testing. Allele origin: germline.
Comment: The VPS13B c.7918T>G variant is predicted to result in the amino acid substitution p.Trp2640Gly. To our knowledge, this variant has not been reported in the literature or in a large population database, indicating this variant is rare. At this time, the clinical significance of this variant is uncertain due to the absence of conclusive functional and genetic evidence.